The following is an entry in ClinVar:

ClinVar aggregate classification (germline): Likely pathogenic (1 of 4 stars; one submission).

Conditions:
Nemaline myopathy 2 (NEM2). Also called: Nemaline myopathy 2, autosomal recessive. Identifiers: MedGen C1850569, MONDO:0009725, OMIM 256030.

Submission:

Myriad Genetics, Inc.
Classification: Likely pathogenic for Nemaline myopathy 2. Last evaluated: 2022-05-26. Review status: criteria provided, single submitter. Criteria: Myriad Women's Health Autosomal Recessive and X-Linked Classification Criteria (2021). Collection method: clinical testing. Allele origin: unknown.
Comment: NM_001271208.1(NEB):c.4729_4730insT(K1577Ifs*20) is expected to be pathogenic in the context of NEB-related nemaline myopathy. This variant is predicted to lead to an abnormal or absent protein product due to the creation of a premature termination codon in NEB, a gene where loss-of-function variants are known to be pathogenic. Please note: this variant was assessed in the context of healthy population screening.

NM_001164508.2(NEB):c.4729_4730insT (p.Lys1577fs)

Gene: NEB (nebulin; minus strand). Cytogenetic location: 2q23.3.
Variant type: Insertion.
Coding change: c.4729_4730insT on transcript NM_001164508.2 (MANE Select); coding-DNA positions 4729 to 4730, T inserted.
Protein change: p.Lys1577fs; shifts the reading frame from lysine 1577.
Molecular consequence: frameshift variant.
Genome position: GRCh38 VCF-style: chr2-151666391-T-TA. GRCh37 (hg19) VCF-style: chr2-152522905-T-TA.
Other names: c.4729_4730insT, p.Lys1577fs (NM_001271208.2, NM_004543.5, NM_001164507.2); short protein forms K1577fs.
Identifiers: ClinVar variation 1726219 (VCV001726219.2), dbSNP rs2552258304, ClinGen allele CA2580064095.